The following is an entry in ClinVar:

ClinVar aggregate classification (germline): Uncertain significance. Review status: criteria provided, multiple submitters, no conflicts (2 of 4 stars). 2 submissions from 2 submitters: Uncertain significance (2). Last evaluated 2025-02-01.

Conditions:
Charcot-Marie-Tooth disease axonal type 2F (CMT2F). Also called: Charcot-Marie-Tooth Neuropathy Type 2F; CHARCOT-MARIE-TOOTH DISEASE, NEURONAL, TYPE 2F. Identifiers: Orphanet 99940, MedGen C1847823, MONDO:0011687, OMIM 606595.

Allele frequency attached by ClinVar (database versions not stated): gnomAD exomes below 0.00001 and 0.00001; gnomAD 0.00001; TOPMed 0.00001.
gnomAD v4.1: 11 of 1,607,246 alleles (0.00068%); highest among the groups gnomAD compares: Non-Finnish European, 0.00093%; no homozygotes.

Submissions (2):

CeGaT Center for Human Genetics Tuebingen
Classification: Uncertain significance. Last evaluated: 2025-02-01. Review status: criteria provided, single submitter. Criteria: CeGaT Center For Human Genetics Tuebingen Variant Classification Criteria Version 2. Collection method: clinical testing. Allele origin: germline. Affected: yes. Observed: 1 variant allele.
Comment: HSPB1: PVS1, BS2

Labcorp Genetics (formerly Invitae), Labcorp
Classification: Uncertain significance for Charcot-Marie-Tooth disease axonal type 2F. Last evaluated: 2023-12-09. Review status: criteria provided, single submitter. Criteria: Invitae Variant Classification Sherloc (09022015). Collection method: clinical testing. Allele origin: germline.
Comment: This sequence change creates a premature translational stop signal (p.Trp16*) in the HSPB1 gene. It is expected to result in an absent or disrupted protein product. However, the current clinical and genetic evidence is not sufficient to establish whether loss-of-function variants in HSPB1 cause disease. This variant is present in population databases (no rsID available, gnomAD 0.0009%). This variant has not been reported in the literature in individuals affected with HSPB1-related conditions. ClinVar contains an entry for this variant (Variation ID: 1060678). In summary, the available evidence is currently insufficient to determine the role of this variant in disease. Therefore, it has been classified as a Variant of Uncertain Significance.

NM_001540.5(HSPB1):c.47G>A (p.Trp16Ter)

Gene: HSPB1 (heat shock protein family B (small) member 1; plus strand). Cytogenetic location: 7q11.23.
Variant type: single nucleotide variant.
Coding change: c.47G>A on transcript NM_001540.5 (MANE Select); coding-DNA position 47, G replaced by A.
Protein change: p.Trp16Ter; replaces tryptophan 16 with a stop codon.
Molecular consequence: nonsense.
Genome position (GRCh38, 1-based): chr7:76,302,759, G>A. VCF-style: chr7-76302759-G-A. GRCh37 (hg19) VCF-style: chr7-75932076-G-A.
Other names: short protein forms W16*.
Identifiers: ClinVar variation 1060678 (VCV001060678.20), dbSNP rs973126266, ClinGen allele CA160898829.
Genomic context (GRCh38, chr7:76,302,759, plus strand): 5'-CAGAGTCAGCCAGCATGACCGAGCGCCGCGTCCCCTTCTCGCTCCTGCGGGGCCCCAGCT[G>A]GGACCCCTTCCGCGACTGGTACCCGCATAGCCGCCTCTTCGACCAGGCCTTCGGGCTGCC-3'